The following is an entry in ClinVar:

ClinVar aggregate classification (germline): Uncertain significance (1 of 4 stars; one submission).

Conditions:
Muscular dystrophy-dystroglycanopathy (congenital with impaired intellectual development), type B, 14. Also called: Congenital muscular dystrophy-dystroglycanopathy with mental retardation, type B14; Muscular dystrophy-dystroglycanopathy (congenital with intellectual disability), type B14; MUSCULAR DYSTROPHY, CONGENITAL, GMPPB-RELATED. Identifiers: MedGen C3809221, MONDO:0014141, OMIM 615351.
Autosomal recessive limb-girdle muscular dystrophy type 2T. Also called: MUSCULAR DYSTROPHY-DYSTROGLYCANOPATHY, LIMB-GIRDLE, GMPPB-RELATED; MUSCULAR DYSTROPHY, LIMB-GIRDLE, TYPE 2T; Muscular dystrophy-dystroglycanopathy (limb-girdle), type c, 14; Limb-girdle muscular dystrophy-dystroglycanopathy, type C14. Identifiers: Orphanet 363623, MedGen C4518000, MONDO:0014142, OMIM 615352.
Muscular dystrophy-dystroglycanopathy (congenital with brain and eye anomalies), type A14. Also called: Congenital muscular dystrophy-dystroglycanopathy with brain and eye anomalies, type A14; WALKER-WARBURG SYNDROME OR MUSCLE-EYE-BRAIN DISEASE, GMPPB-RELATED; Muscular dystrophy-dystroglycanopathy (congenital with brain and eye anomalies), type a, 14; Congenital Muscular Dystrophy-Dystroglycanopathy with Brain and Eye Anomalies Type A 14. Identifiers: Orphanet 588, MedGen C3809216, MONDO:0014140, OMIM 615350.

Allele frequency attached by ClinVar (database versions not stated): TOPMed 0.00001.

Submissions (2):

Labcorp Genetics (formerly Invitae), Labcorp
Classification: Uncertain significance for Autosomal recessive limb-girdle muscular dystrophy type 2T; Muscular dystrophy-dystroglycanopathy (congenital with brain and eye anomalies), type A14; Muscular dystrophy-dystroglycanopathy (congenital with impaired intellectual development), type B, 14. Last evaluated: 2020-11-10. Review status: criteria provided, single submitter. Criteria: Invitae Variant Classification Sherloc (09022015). Collection method: clinical testing. Allele origin: germline.
Comment: This sequence change falls in intron 4 of the GMPPB gene. It does not directly change the encoded amino acid sequence of the GMPPB protein. This variant is present in population databases (rs746420101, ExAC 0.003%). This variant has not been reported in the literature in individuals with GMPPB-related conditions. Algorithms developed to predict the effect of sequence changes on RNA splicing suggest that this variant may create or strengthen a splice site, but this prediction has not been confirmed by published transcriptional studies. In summary, the available evidence is currently insufficient to determine the role of this variant in disease. Therefore, it has been classified as a Variant of Uncertain Significance.

Dr. Peter K. Rogan Lab, Western University
No classification provided (evidence only). Condition: Sarcoma. Review status: no classification provided. Collection method: in vitro. Allele origin: not applicable. Functional consequence: skipped exon, retained intron. Not counted in ClinVar's aggregate classification.

NM_021971.4(GMPPB):c.402+7C>T

Gene: GMPPB (GDP-mannose pyrophosphorylase B; minus strand). Cytogenetic location: 3p21.31.
Variant type: single nucleotide variant.
Coding change: c.402+7C>T on transcript NM_021971.4 (MANE Select); 7 bases into the intron after coding-DNA position 402, C replaced by T.
Molecular consequence: intron variant.
Genome position (GRCh38, 1-based): chr3:49,722,965, G>A on the plus strand (C>T on the coding strand, the complement: GMPPB is on the minus strand). VCF-style: chr3-49722965-G-A. GRCh37 (hg19) VCF-style: chr3-49760398-G-A.
Other names: c.402+7C>T (NM_013334.4).
Identifiers: ClinVar variation 1495605 (VCV001495605.9), dbSNP rs746420101, ClinGen allele CA2405585.
Genomic context (GRCh38, chr3:49,722,965, plus strand): 5'-CTAGGGGGCATGGGAGGCTGGGCATGGAGGGTGAAAGTGTCAAGAGAGAGAAGACCTGGC[G>A]CCTTACCAGGATGGAGCCCTCCTGGCCATGGTGCCGGTGGAACTGCACCATGGCTTGGAA-3'